The following is an entry in ClinVar:

NM_024675.4(PALB2):c.1406G>A (p.Cys469Tyr)

Gene: PALB2 (partner and localizer of BRCA2; minus strand). Cytogenetic location: 16p12.2.
Variant type: single nucleotide variant.
Coding change: c.1406G>A on transcript NM_024675.4 (MANE Select); coding-DNA position 1406, G replaced by A.
Protein change: p.Cys469Tyr; replaces cysteine 469 with tyrosine.
Molecular consequence: missense variant.
Genome position (GRCh38, 1-based): chr16:23,635,140, C>T on the plus strand (G>A on the coding strand, the complement: PALB2 is on the minus strand). VCF-style: chr16-23635140-C-T. GRCh37 (hg19) VCF-style: chr16-23646461-C-T.
Other names: short protein forms C469Y.
Identifiers: ClinVar variation 935651 (VCV000935651.17), dbSNP rs1966970988, ClinGen allele CA395131337.
Genomic context (GRCh38, chr16:23,635,140, plus strand): 5'-GAGCTGACTTTAGTTAATGAGAGAAGTTTCTGAGAGGTTCTTGAACTTGGTTGTCCTGTG[C>T]ATGTGCCAGACATCCTAATTTCACTTTGGTCAGTTTCCTCATTGGAAAGGTTTAAATTTT-3'
Protein context (NP_078951.2, residues 459-479): DQSEIRMSGT[Cys469Tyr]TGQPSSRTSQ

ClinVar aggregate classification (germline): Uncertain significance. Review status: criteria provided, multiple submitters, no conflicts (2 of 4 stars). 4 submissions from 4 submitters: Uncertain significance (2). 2 of the submissions do not count toward it. Last evaluated 2025-01-13.

Conditions:
Hereditary cancer-predisposing syndrome. Also called: Tumor predisposition; Hereditary neoplastic syndrome; Hereditary Cancer Syndrome; Neoplastic Syndromes, Hereditary. Identifiers: Orphanet 140162, MedGen C0027672, MeSH D009386, MONDO:0015356.
Familial cancer of breast. Also called: BREAST CANCER, FAMILIAL; Hereditary breast cancer; hereditary breast carcinoma. Identifiers: Orphanet 227535, MedGen C0346153, MONDO:0016419, OMIM 114480. Disease mechanism: loss of function.

Submissions (4):

Ambry Genetics
Classification: Uncertain significance for Hereditary cancer-predisposing syndrome. Last evaluated: 2025-01-13. Review status: criteria provided, single submitter. Criteria: Ambry Variant Classification Scheme 2023. Collection method: clinical testing. Allele origin: germline.
Comment: The p.C469Y variant (also known as c.1406G>A), located in coding exon 4 of the PALB2 gene, results from a G to A substitution at nucleotide position 1406. The cysteine at codon 469 is replaced by tyrosine, an amino acid with highly dissimilar properties. This amino acid position is poorly conserved in available vertebrate species. In addition, this alteration is predicted to be tolerated by in silico analysis. Since supporting evidence is limited at this time, the clinical significance of this alteration remains unclear.

Labcorp Genetics (formerly Invitae), Labcorp
Classification: Uncertain significance for Familial cancer of breast. Last evaluated: 2024-01-15. Review status: criteria provided, single submitter. Criteria: Invitae Variant Classification Sherloc (09022015). Collection method: clinical testing. Allele origin: germline.
Comment: This sequence change replaces cysteine, which is neutral and slightly polar, with tyrosine, which is neutral and polar, at codon 469 of the PALB2 protein (p.Cys469Tyr). This variant is not present in population databases (gnomAD no frequency). This variant has not been reported in the literature in individuals affected with PALB2-related conditions. ClinVar contains an entry for this variant (Variation ID: 935651). Advanced modeling of protein sequence and biophysical properties (such as structural, functional, and spatial information, amino acid conservation, physicochemical variation, residue mobility, and thermodynamic stability) performed at Invitae indicates that this missense variant is not expected to disrupt PALB2 protein function with a negative predictive value of 80%. In summary, the available evidence is currently insufficient to determine the role of this variant in disease. Therefore, it has been classified as a Variant of Uncertain Significance.

Joint Genome Diagnostic Labs from Nijmegen and Maastricht, Radboudumc and MUMC+
Classification: Likely benign. Review status: no assertion criteria provided. Collection method: clinical testing. Allele origin: germline. Affected: yes. Study: VKGL Data-share Consensus. Not counted in ClinVar's aggregate classification.

Laboratory of Diagnostic Genome Analysis, Leiden University Medical Center (LUMC)
Classification: Likely benign. Review status: no assertion criteria provided. Collection method: clinical testing. Allele origin: germline. Affected: yes. Study: VKGL Data-share Consensus. Not counted in ClinVar's aggregate classification.